The following is an entry in ClinVar:

NM_000138.5(FBN1):c.5485G>T (p.Gly1829Cys)

Gene: FBN1 (fibrillin 1; minus strand). Cytogenetic location: 15q21.1.
Variant type: single nucleotide variant.
Coding change: c.5485G>T on transcript NM_000138.5 (MANE Select); coding-DNA position 5485, G replaced by T.
Protein change: p.Gly1829Cys; replaces glycine 1829 with cysteine.
Molecular consequence: missense variant.
Genome position (GRCh38, 1-based): chr15:48,452,622, C>A on the plus strand (G>T on the coding strand, the complement: FBN1 is on the minus strand). VCF-style: chr15-48452622-C-A. GRCh37 (hg19) VCF-style: chr15-48744819-C-A.
Other names: c.5485G>T, p.Gly1829Cys (NM_001406716.1); short protein forms G1829C.
Identifiers: ClinVar variation 2031233 (VCV002031233.4), dbSNP rs1597537835, ClinGen allele CA392344232.

ClinVar aggregate classification (germline): Uncertain significance (1 of 4 stars; one submission).

Conditions:
Familial thoracic aortic aneurysm and aortic dissection (TAAD). Also called: Thoracic aortic aneurysms and dissections. Identifiers: Orphanet 91387, MedGen C4707243, MONDO:0019625.
Marfan syndrome (MFS). Also called: MARFAN SYNDROME, TYPE I; Marfan syndrome type 1; Marfan's syndrome; Marfan syndrome, classic; FBN1-Related Marfan Syndrome. Identifiers: Orphanet 284963, Orphanet 558, MedGen C0024796, MONDO:0007947, OMIM 154700.

Submission:

Labcorp Genetics (formerly Invitae), Labcorp
Classification: Uncertain significance for Marfan syndrome; Familial thoracic aortic aneurysm and aortic dissection. Last evaluated: 2022-10-10. Review status: criteria provided, single submitter. Criteria: Invitae Variant Classification Sherloc (09022015). Collection method: clinical testing. Allele origin: germline.
Comment: This sequence change replaces glycine, which is neutral and non-polar, with cysteine, which is neutral and slightly polar, at codon 1829 of the FBN1 protein (p.Gly1829Cys). In summary, the available evidence is currently insufficient to determine the role of this variant in disease. Therefore, it has been classified as a Variant of Uncertain Significance. This variant disrupts the p.Gly1829 amino acid residue in FBN1. Other variant(s) that disrupt this residue have been observed in individuals with FBN1-related conditions (PMID: 28941062; Invitae), which suggests that this may be a clinically significant amino acid residue. Advanced modeling of protein sequence and biophysical properties (such as structural, functional, and spatial information, amino acid conservation, physicochemical variation, residue mobility, and thermodynamic stability) performed at Invitae indicates that this missense variant is expected to disrupt FBN1 protein function. This variant has not been reported in the literature in individuals affected with FBN1-related conditions. This variant is not present in population databases (gnomAD no frequency).

Literature cited by the submitters: PubMed 28941062.